The following is an entry in ClinVar:

NM_014989.7(RIMS1):c.876C>G (p.Arg292=)

Gene: RIMS1 (regulating synaptic membrane exocytosis 1; plus strand). Cytogenetic location: 6q13.
Variant type: single nucleotide variant.
Coding change: c.876C>G on transcript NM_014989.7 (MANE Select); coding-DNA position 876, C replaced by G.
Protein change: p.Arg292=; no amino-acid change (arginine 292 retained).
Molecular consequence: synonymous variant.
Genome position (GRCh38, 1-based): chr6:72,182,347, C>G. VCF-style: chr6-72182347-C-G. GRCh37 (hg19) VCF-style: chr6-72892050-C-G.
Other names: c.876C>G (NM_014989.5).
Identifiers: ClinVar variation 1129478 (VCV001129478.11), dbSNP rs776775023, ClinGen allele CA3885611.

ClinVar aggregate classification (germline): Likely benign. Review status: criteria provided, single submitter (1 of 4 stars). 2 submissions from 2 submitters: Likely benign (1). 1 of the submissions does not count toward it. Last evaluated 2022-11-03.

Conditions:
RIMS1-related disorder. Also called: RIMS1-related condition.

gnomAD v4.1: 30 of 1,612,978 alleles (0.0019%); highest among the groups gnomAD compares: Middle Eastern, 0.017%; no homozygotes.

Submissions (2):

Labcorp Genetics (formerly Invitae), Labcorp
Classification: Likely benign. Last evaluated: 2022-11-03. Review status: criteria provided, single submitter. Criteria: Invitae Variant Classification Sherloc (09022015). Collection method: clinical testing. Allele origin: germline.

PreventionGenetics, part of Exact Sciences
Classification: Likely benign for RIMS1-related condition. Last evaluated: 2019-08-28. Review status: no assertion criteria provided. Collection method: clinical testing. Allele origin: germline. Not counted in ClinVar's aggregate classification.
Comment: This variant is classified as likely benign based on ACMG/AMP sequence variant interpretation guidelines (Richards et al. 2015 PMID: 25741868, with internal and published modifications).